The following is an entry in ClinVar:

NM_014889.4(PITRM1):c.571G>A (p.Asp191Asn)

Gene: PITRM1 (pitrilysin metallopeptidase 1; minus strand). Cytogenetic location: 10p15.2.
Variant type: single nucleotide variant.
Coding change: c.571G>A on transcript NM_014889.4 (MANE Select); coding-DNA position 571, G replaced by A.
Protein change: p.Asp191Asn; replaces aspartic acid 191 with asparagine.
Molecular consequence: missense variant. On other transcripts: 5 prime UTR variant (3), non-coding transcript variant (4).
Genome position (GRCh38, 1-based): chr10:3,165,297, C>T on the plus strand (G>A on the coding strand, the complement: PITRM1 is on the minus strand). VCF-style: chr10-3165297-C-T. GRCh37 (hg19) VCF-style: chr10-3207489-C-T.
Other names: c.571G>A, p.Asp191Asn (NM_001242307.2, NM_001347725.2); c.475G>A, p.Asp159Asn (NM_001242309.1); c.-45G>A (NM_001347726.2, NM_001347727.2); c.-730G>A (NM_001347728.2); c.547G>A, p.Asp183Asn (NM_001347729.1, NM_001347730.1); short protein forms D159N, D183N, D191N.
Identifiers: ClinVar variation 2160596 (VCV002160596.4), dbSNP rs749436565, ClinGen allele CA5388160.
Genomic context (GRCh38, chr10:3,165,297, plus strand): 5'-CAAACGCTCCCTTCATCTCATTAAAGACGACTCCTTTAAAGACCAAGGGCGTCTGGGGGT[C>T]GCTCGGATTCTCATGTTCCAGCCGCCATCCTTCCTGCCTGAGGACAAATCATTATAAGCT-3'
Protein context (NP_055704.2, residues 181-201): GWRLEHENPS[Asp191Asn]PQTPLVFKGV

ClinVar aggregate classification (germline): Uncertain significance (1 of 4 stars; one submission).

Allele frequency attached by ClinVar (database versions not stated): TOPMed below 0.00001; gnomAD 0.00001; ExAC 0.00008.

Submission:

Labcorp Genetics (formerly Invitae), Labcorp
Classification: Uncertain significance. Last evaluated: 2023-05-23. Review status: criteria provided, single submitter. Criteria: Invitae Variant Classification Sherloc (09022015). Collection method: clinical testing. Allele origin: germline.
Comment: The frequency data for this variant in the population databases is considered unreliable, as metrics indicate poor data quality at this position in the gnomAD database. ClinVar contains an entry for this variant (Variation ID: 2160596). This variant has not been reported in the literature in individuals affected with PITRM1-related conditions. This sequence change replaces aspartic acid, which is acidic and polar, with asparagine, which is neutral and polar, at codon 159 of the PITRM1 protein (p.Asp159Asn). An algorithm developed to predict the effect of missense changes on protein structure and function (PolyPhen-2) suggests that this variant is likely to be tolerated. In summary, the available evidence is currently insufficient to determine the role of this variant in disease. Therefore, it has been classified as a Variant of Uncertain Significance.